The following is an entry in ClinVar:

NM_001933.5(DLST):c.200A>G (p.Lys67Arg)

Gene: DLST (dihydrolipoamide S-succinyltransferase; plus strand). Cytogenetic location: 14q24.3.
Variant type: single nucleotide variant.
Coding change: c.200A>G on transcript NM_001933.5 (MANE Select); coding-DNA position 200, A replaced by G.
Protein change: p.Lys67Arg; replaces lysine 67 with arginine.
Molecular consequence: missense variant. On other transcripts: non-coding transcript variant (1).
Genome position (GRCh38, 1-based): chr14:74,889,275, A>G. VCF-style: chr14-74889275-A-G. GRCh37 (hg19) VCF-style: chr14-75355978-A-G.
Other names: c.200A>G, p.Lys67Arg (NM_001244883.2); short protein forms K67R.
Identifiers: ClinVar variation 4241232 (VCV004241232.2).
Genomic context (GRCh38, chr14:74,889,275, plus strand): 5'-GAAAAATATTAAAAAGGAAAAATGAACTACTTATGATTTTCTTTTTTGCATTTTTCCTAG[A>G]GGATGACTTGGTTACAGTCAAAACCCCAGCGTTTGCAGAATCTGTCACAGAGGGAGATGT-3'
Protein context (NP_001924.2, residues 57-77): VRFFRTTAVC[Lys67Arg]DDLVTVKTPA

ClinVar aggregate classification (germline): Uncertain significance. Review status: criteria provided, multiple submitters, no conflicts (2 of 4 stars). 2 submissions from 2 submitters: Uncertain significance (2). Last evaluated 2025-10-05.

gnomAD v4.1: 39 of 1,612,580 alleles (0.0024%); highest among the groups gnomAD compares: African/African-American, 0.052%; no homozygotes.

Submissions (2):

Labcorp Genetics (formerly Invitae), Labcorp
Classification: Uncertain significance. Last evaluated: 2025-10-05. Review status: criteria provided, single submitter. Criteria: Invitae Variant Classification Sherloc (09022015). Collection method: clinical testing. Allele origin: germline.
Comment: This sequence change replaces lysine, which is basic and polar, with arginine, which is basic and polar, at codon 67 of the DLST protein (p.Lys67Arg). This variant is present in population databases (rs201737883, gnomAD 0.03%). This variant has not been reported in the literature in individuals affected with DLST-related conditions. An algorithm developed to predict the effect of missense changes on protein structure and function outputs the following: PolyPhen-2: "Not Available". The arginine amino acid residue is found in multiple mammalian species, which suggests that this missense change does not adversely affect protein function. In summary, the available evidence is currently insufficient to determine the role of this variant in disease. Therefore, it has been classified as a Variant of Uncertain Significance.

Ambry Genetics
Classification: Uncertain significance. Last evaluated: 2025-08-10. Review status: criteria provided, single submitter. Criteria: Ambry Variant Classification Scheme 2023. Collection method: clinical testing. Allele origin: germline.